The following is an entry in ClinVar:

NM_000264.5(PTCH1):c.1093del (p.Gln365fs)

Gene: PTCH1 (patched 1; minus strand). Cytogenetic location: 9q22.32.
Variant type: Deletion.
Coding change: c.1093del on transcript NM_000264.5 (MANE Select); coding-DNA position 1093, one base deleted (C; older notation c.1093delC).
Protein change: p.Gln365fs; shifts the reading frame from glutamine 365.
Molecular consequence: frameshift variant. On other transcripts: non-coding transcript variant (1).
Genome position (GRCh38, 1-based): chr9:95,479,122, G deleted on the plus strand (C on the coding strand, the reverse complement: PTCH1 is on the minus strand); the first of 2 consecutive G bases (chr9:95,479,122-95,479,123); deleting either gives the same sequence. VCF-style (leftmost placement, unchanged base first): chr9-95479121-TG-T. GRCh37 (hg19) VCF-style: chr9-98241403-TG-T.
Other names: c.895del, p.Gln299fs (NM_001083602.3); c.1090del, p.Gln364fs (NM_001083603.3); c.640del, p.Gln214fs (NM_001083604.3, NM_001083605.3, NM_001083606.3 and 1 more transcripts); c.1093del, p.Gln365fs (NM_001354918.2); short protein forms Q214fs, Q364fs, Q299fs, Q365fs.
Identifiers: ClinVar variation 3631913 (VCV003631913.2).

ClinVar aggregate classification (germline): Pathogenic (1 of 4 stars; one submission).

Conditions:
Gorlin syndrome. Also called: Nevoid Basal Cell Carcinoma Syndrome; Basal cell nevus syndrome. Identifiers: Orphanet 377, MedGen C0004779, MONDO:0007187.

Submission:

Labcorp Genetics (formerly Invitae), Labcorp
Classification: Pathogenic for Gorlin syndrome. Last evaluated: 2024-04-18. Review status: criteria provided, single submitter. Criteria: Invitae Variant Classification Sherloc (09022015). Collection method: clinical testing. Allele origin: germline.
Comment: This sequence change creates a premature translational stop signal (p.Gln365Serfs*2) in the PTCH1 gene. It is expected to result in an absent or disrupted protein product. Loss-of-function variants in PTCH1 are known to be pathogenic (PMID: 16301862, 16419085). This variant is not present in population databases (gnomAD no frequency). This variant has not been reported in the literature in individuals affected with PTCH1-related conditions. For these reasons, this variant has been classified as Pathogenic.

Literature cited by the submitters: PubMed 16301862; PubMed 16419085.